The following is an entry in ClinVar:

NM_001042750.2(STAG2):c.1237G>T (p.Val413Phe)

Gene: STAG2 (STAG2 cohesin complex component; plus strand). Cytogenetic location: Xq25.
Variant type: single nucleotide variant.
Coding change: c.1237G>T on transcript NM_001042750.2 (MANE Select); coding-DNA position 1237, G replaced by T.
Protein change: p.Val413Phe; replaces valine 413 with phenylalanine.
Molecular consequence: missense variant.
Genome position (GRCh38, 1-based): chrX:124,056,168, G>T. VCF-style: chrX-124056168-G-T. GRCh37 (hg19) VCF-style: chrX-123190018-G-T.
Other names: c.1237G>T, p.Val413Phe (NM_001042749.2, NM_001042751.2, NM_001282418.2 and 13 more transcripts); short protein forms V413F.
Identifiers: ClinVar variation 2502714 (VCV002502714.1), dbSNP rs2521586906, ClinGen allele CA414278142.

ClinVar aggregate classification (germline): Uncertain significance (1 of 4 stars; one submission).

Submission:

GeneDx
Classification: Uncertain significance. Last evaluated: 2022-11-17. Review status: criteria provided, single submitter. Criteria: GeneDx Variant Classification Process June 2021. Collection method: clinical testing. Allele origin: germline. Affected: yes.
Comment: Not observed at significant frequency in large population cohorts (gnomAD); In silico analysis supports that this missense variant has a deleterious effect on protein structure/function; Has not been previously published as pathogenic or benign to our knowledge